The following is an entry in ClinVar:

ClinVar aggregate classification (germline): Uncertain significance (0 of 4 stars; one submission).

Conditions:
Prostate cancer. Also called: Malignant tumor of prostate. Identifiers: Orphanet 1331, MedGen C0376358, MONDO:0008315, HP:0012125.

Submission:

Science for Life laboratory,  Karolinska Institutet
Classification: Uncertain significance for Malignant tumor of prostate. Review status: no assertion criteria provided. Collection method: not provided. Allele origin: somatic.
Comment: TumorID:SWE-9
ClinVar note: Converted during submission from Unknown to Uncertain significance.

NM_017632.4(CDKN2AIP):c.914T>G (p.Leu305Arg)

Gene: CDKN2AIP (CDKN2A interacting protein; plus strand). Cytogenetic location: 4q35.1.
Variant type: single nucleotide variant.
Coding change: c.914T>G on transcript NM_017632.4 (MANE Select); coding-DNA position 914, T replaced by G.
Protein change: p.Leu305Arg; replaces leucine 305 with arginine.
Molecular consequence: missense variant. On other transcripts: 3 prime UTR variant (1).
Genome position (GRCh38, 1-based): chr4:183,446,598, T>G. VCF-style: chr4-183446598-T-G. GRCh37 (hg19) VCF-style: chr4-184367751-T-G.
Other names: c.*502T>G (NM_001317343.2); short protein forms L305R.
Identifiers: ClinVar variation 161707 (VCV000161707.2), dbSNP rs193921061, ClinGen allele CA174635.